The following is an entry in ClinVar:

ClinVar aggregate classification (germline): Likely pathogenic (1 of 4 stars; one submission).

Submission:

GeneDx
Classification: Likely pathogenic. Last evaluated: 2018-04-24. Review status: criteria provided, single submitter. Criteria: GeneDx Variant Classification (06012015). Collection method: clinical testing. Allele origin: germline. Affected: yes.
Comment: The c.735delG variant has not been published as a pathogenic variant, nor has it been reported as a benign variant to our knowledge. The variant is not observed in large population cohorts (Lek et al., 2016). The variant causes a frameshift starting with codon Lysine 246, changes this amino acid to an Arginine residue and creates a premature Stop codon at position 40 of the new reading frame, denoted p.Lys246ArgfsX40. This variant is predicted to cause loss of normal protein function through protein truncation. In summary, we consider this variant to be likely pathogenic.

NM_006941.4(SOX10):c.735del (p.Lys246fs)

Genes: POLR2F (RNA polymerase II, I and III subunit F; plus strand), SOX10 (SRY-box transcription factor 10; minus strand). Cytogenetic location: 22q13.1.
Variant type: Deletion.
Coding change: c.735del on transcript NM_006941.4 (MANE Select); coding-DNA position 735, one base deleted (G; older notation c.735delG).
Protein change: p.Lys246fs; shifts the reading frame from lysine 246.
Molecular consequence: frameshift variant. On other transcripts: intron variant (3).
Genome position (GRCh38, 1-based): chr22:37,974,161, C deleted on the plus strand (G on the coding strand, the reverse complement: SOX10 is on the minus strand). VCF-style (leftmost placement, unchanged base first): chr22-37974160-TC-T. GRCh37 (hg19) VCF-style: chr22-38370167-TC-T.
Other names: c.*38+1851del (NM_001363825.1); c.293+6991del (NM_001301130.2, NM_001301131.2); short protein forms K246fs.
Identifiers: ClinVar variation 524073 (VCV000524073.4), dbSNP rs1555937540, ClinGen allele CA645616845.